The following is an entry in ClinVar:

NM_001040142.2(SCN2A):c.400C>G (p.Leu134Val)

Gene: SCN2A (sodium voltage-gated channel alpha subunit 2; plus strand). Cytogenetic location: 2q24.3.
Variant type: single nucleotide variant.
Coding change: c.400C>G on transcript NM_001040142.2 (MANE Select); coding-DNA position 400, C replaced by G.
Protein change: p.Leu134Val; replaces leucine 134 with valine.
Molecular consequence: missense variant.
Genome position (GRCh38, 1-based): chr2:165,307,861, C>G. VCF-style: chr2-165307861-C-G. GRCh37 (hg19) VCF-style: chr2-166164371-C-G.
Other names: c.400C>G, p.Leu134Val (NM_001040143.2, NM_001371246.1, NM_001371247.1 and 1 more transcripts); short protein forms L134V.
Identifiers: ClinVar variation 2584835 (VCV002584835.1), dbSNP rs1697220724, ClinGen allele CA349014881.

ClinVar aggregate classification (germline): Uncertain significance (1 of 4 stars; one submission).

Conditions:
Developmental and epileptic encephalopathy, 11 (DEE11). Also called: Early infantile epileptic encephalopathy 11. Identifiers: Orphanet 1934, MedGen C3150987, MONDO:0013388, OMIM 613721.

Submission:

Neuberg Centre For Genomic Medicine, NCGM
Classification: Uncertain significance for Developmental and epileptic encephalopathy, 11. Review status: criteria provided, single submitter. Criteria: ACMG Guidelines, 2015. Collection method: clinical testing. Allele origin: germline. Inheritance: Autosomal dominant inheritance. Affected: yes.
Comment: The missense variant in c.400C>G in SCN2A gene has not been reported previously as a pathogenic variant nor as a benign variant, to our knowledge. The p.Leu134Val variant is novel (not in any individuals) in gnomAD Exomes and 1000 Genomes. This variant has not been reported to the ClinVar database. The amino acid change p.Leu134Val in SCN2A is predicted as conserved by GERP++ and PhyloP across 100 vertebrates. The amino acid Leu at position 134 is changed to a Val changing protein sequence and it might alter its composition and physico-chemical properties. For these reasons, this variant has been classified as Uncertain Significance (VUS).